The following is an entry in ClinVar:

NM_000258.3(MYL3):c.106G>A (p.Glu36Lys)

Gene: MYL3 (myosin light chain 3; minus strand). Cytogenetic location: 3p21.31.
Variant type: single nucleotide variant.
Coding change: c.106G>A on transcript NM_000258.3 (MANE Select); coding-DNA position 106, G replaced by A.
Protein change: p.Glu36Lys; replaces glutamic acid 36 with lysine.
Molecular consequence: missense variant.
Genome position (GRCh38, 1-based): chr3:46,863,285, C>T on the plus strand (G>A on the coding strand, the complement: MYL3 is on the minus strand). VCF-style: chr3-46863285-C-T. GRCh37 (hg19) VCF-style: chr3-46904775-C-T.
Other names: short protein forms E36K.
Identifiers: ClinVar variation 872544 (VCV000872544.20), dbSNP rs749941468, ClinGen allele CA042180.

ClinVar aggregate classification (germline): Uncertain significance. Review status: criteria provided, multiple submitters, no conflicts (2 of 4 stars). 3 submissions from 3 submitters: Uncertain significance (3). Last evaluated 2024-11-07.

Conditions:
Cardiomyopathy (CMYO). Also called: Cardiomyopathies. Identifiers: Orphanet 167848, MedGen C0878544, MONDO:0004994, HP:0001638. Inheritance: Various modes of inheritance.
Cardiovascular phenotype. Identifiers: MedGen CN230736.
Hypertrophic cardiomyopathy. Also called: HYPERTROPHIC MYOCARDIOPATHY. Identifiers: Orphanet 217569, MedGen C0007194, MeSH D002312, MONDO:0005045, HP:0001639.

Allele frequency attached by ClinVar (database versions not stated): TOPMed 0.00001; gnomAD exomes 0.00003 and 0.00001; ExAC 0.00001; gnomAD 0.00001.
gnomAD v4.1: 38 of 1,614,028 alleles (0.0024%); highest among the groups gnomAD compares: Middle Eastern, 0.016%; no homozygotes.

Submissions (3):

Ambry Genetics
Classification: Uncertain significance for Cardiovascular phenotype. Last evaluated: 2024-11-07. Review status: criteria provided, single submitter. Criteria: Ambry Variant Classification Scheme 2023. Collection method: clinical testing. Allele origin: germline.

All of Us Research Program, National Institutes of Health
Classification: Uncertain significance for Hypertrophic cardiomyopathy. Last evaluated: 2024-09-23. Review status: criteria provided, single submitter. Criteria: ACMG Guidelines, 2015. Collection method: clinical testing. Allele origin: germline. Inheritance: Autosomal dominant inheritance. Observed: 5 variant alleles, 5 heterozygotes.
Comment: This missense variant replaces glutamic acid with lysine at codon 36 of the MYL3 protein. Computational prediction suggests that this variant may not impact protein structure and function (internally defined REVEL score threshold <= 0.5, PMID: 27666373). To our knowledge, functional studies have not been reported for this variant. This variant has not been reported in individuals affected with cardiovascular disorders in the literature. This variant has been identified in 3/250214 chromosomes in the general population by the Genome Aggregation Database (gnomAD). The available evidence is insufficient to determine the role of this variant in disease conclusively. Therefore, this variant is classified as a Variant of Uncertain Significance.

This study involves interpretation of variants in research participants for the purpose of population health screening. Participant phenotype was not available at the time of variant classification. Additional details can be found in publication PMID: 35346344, PMCID: PMC8962531

Color Diagnostics, LLC DBA Color Health
Classification: Uncertain significance for Cardiomyopathy. Last evaluated: 2024-03-06. Review status: criteria provided, single submitter. Criteria: ACMG Guidelines, 2015. Collection method: clinical testing. Allele origin: germline.
Comment: This missense variant replaces glutamic acid with lysine at codon 36 of the MYL3 protein. Computational prediction suggests that this variant may not impact protein structure and function (internally defined REVEL score threshold <= 0.5, PMID: 27666373). To our knowledge, functional studies have not been reported for this variant. This variant has not been reported in individuals affected with MYL3-related disorders in the literature. This variant has been identified in 3/250214 chromosomes in the general population by the Genome Aggregation Database (gnomAD). The available evidence is insufficient to determine the role of this variant in disease conclusively. Therefore, this variant is classified as a Variant of Uncertain Significance.